The following is an entry in ClinVar:

NM_000368.5(TSC1):c.3107G>T (p.Gly1036Val)

Gene: TSC1 (TSC complex subunit 1; minus strand). Cytogenetic location: 9q34.13.
Variant type: single nucleotide variant.
Coding change: c.3107G>T on transcript NM_000368.5 (MANE Select); coding-DNA position 3107, G replaced by T.
Protein change: p.Gly1036Val; replaces glycine 1036 with valine.
Molecular consequence: missense variant. On other transcripts: non-coding transcript variant (5).
Genome position (GRCh38, 1-based): chr9:132,896,623, C>A on the plus strand (G>T on the coding strand, the complement: TSC1 is on the minus strand). VCF-style: chr9-132896623-C-A. GRCh37 (hg19) VCF-style: chr9-135772010-C-A.
Other names: c.3104G>T, p.Gly1035Val (NM_001162426.2, NM_001406597.1, NM_001406598.1 and 2 more transcripts); c.2954G>T, p.Gly985Val (NM_001162427.2, NM_001406610.1); c.2744G>T, p.Gly915Val (NM_001362177.2, NM_001406614.1, NM_001406615.1 and 4 more transcripts); c.3107G>T, p.Gly1036Val (NM_001406592.1, NM_001406593.1, NM_001406594.1 and 2 more transcripts); c.3092G>T, p.Gly1031Val (NM_001406601.1, NM_001406602.1); c.3089G>T, p.Gly1030Val (NM_001406603.1, NM_001406604.1); c.3065G>T, p.Gly1022Val (NM_001406605.1, NM_001406606.1, NM_001406607.1); c.3062G>T, p.Gly1021Val (NM_001406608.1, NM_001406609.1); and 8 more; short protein forms G685V, G901V, G970V, G985V, G1035V, G718V, G900V, G1030V.
Identifiers: ClinVar variation 2562901 (VCV002562901.2), dbSNP rs774196458, ClinGen allele CA375367416.

ClinVar aggregate classification (germline): Uncertain significance (1 of 4 stars; one submission).

Conditions:
Hereditary cancer-predisposing syndrome. Also called: Neoplastic Syndromes, Hereditary; Hereditary Cancer Syndrome; Hereditary neoplastic syndrome; Tumor predisposition. Identifiers: Orphanet 140162, MedGen C0027672, MeSH D009386, MONDO:0015356.

Submission:

Ambry Genetics
Classification: Uncertain significance for Hereditary cancer-predisposing syndrome. Last evaluated: 2023-06-01. Review status: criteria provided, single submitter. Criteria: Ambry Variant Classification Scheme 2023. Collection method: clinical testing. Allele origin: germline.
Comment: The p.G1036V variant (also known as c.3107G>T), located in coding exon 21 of the TSC1 gene, results from a G to T substitution at nucleotide position 3107. The glycine at codon 1036 is replaced by valine, an amino acid with dissimilar properties. This amino acid position is conserved. In addition, the in silico prediction for this alteration is inconclusive. Since supporting evidence is limited at this time, the clinical significance of this alteration remains unclear.